The following is an entry in ClinVar:

ClinVar aggregate classification (germline): Uncertain significance. Review status: criteria provided, multiple submitters, no conflicts (2 of 4 stars). 2 submissions from 2 submitters: Uncertain significance (2). Last evaluated 2025-10-01.

Conditions:
Hereditary cancer-predisposing syndrome. Also called: Neoplastic Syndromes, Hereditary; Hereditary Cancer Syndrome; Tumor predisposition; Hereditary neoplastic syndrome. Identifiers: Orphanet 140162, MedGen C0027672, MeSH D009386, MONDO:0015356.
EGFR-related lung cancer (EGFR). Identifiers: MedGen CN130014.

Submissions (2):

Labcorp Genetics (formerly Invitae), Labcorp
Classification: Uncertain significance for EGFR-related lung cancer. Last evaluated: 2025-10-01. Review status: criteria provided, single submitter. Criteria: Invitae Variant Classification Sherloc (09022015). Collection method: clinical testing. Allele origin: germline.
Comment: This sequence change replaces isoleucine, which is neutral and non-polar, with methionine, which is neutral and non-polar, at codon 759 of the EGFR protein (p.Ile759Met). This variant is not present in population databases (gnomAD no frequency). This variant has not been reported in the literature in individuals affected with EGFR-related conditions. ClinVar contains an entry for this variant (Variation ID: 1379449). Invitae Evidence Modeling of protein sequence and biophysical properties (such as structural, functional, and spatial information, amino acid conservation, physicochemical variation, residue mobility, and thermodynamic stability) indicates that this missense variant is not expected to disrupt EGFR protein function with a negative predictive value of 80%. In summary, the available evidence is currently insufficient to determine the role of this variant in disease. Therefore, it has been classified as a Variant of Uncertain Significance.

Ambry Genetics
Classification: Uncertain significance for Hereditary cancer-predisposing syndrome. Last evaluated: 2025-03-12. Review status: criteria provided, single submitter. Criteria: Ambry Variant Classification Scheme 2023. Collection method: clinical testing. Allele origin: germline.
Comment: The p.I759M variant (also known as c.2277C>G), located in coding exon 19 of the EGFR gene, results from a C to G substitution at nucleotide position 2277. The isoleucine at codon 759 is replaced by methionine, an amino acid with highly similar properties. This amino acid position is highly conserved in available vertebrate species. In addition, the in silico prediction for this alteration is inconclusive. Based on the available evidence, the clinical significance of this variant remains unclear.

NM_005228.5(EGFR):c.2277C>G (p.Ile759Met)

Gene: EGFR (epidermal growth factor receptor; plus strand). Cytogenetic location: 7p11.2.
Variant type: single nucleotide variant.
Coding change: c.2277C>G on transcript NM_005228.5 (MANE Select); coding-DNA position 2277, C replaced by G.
Protein change: p.Ile759Met; replaces isoleucine 759 with methionine.
Molecular consequence: missense variant.
Genome position (GRCh38, 1-based): chr7:55,174,814, C>G. VCF-style: chr7-55174814-C-G. GRCh37 (hg19) VCF-style: chr7-55242507-C-G.
Other names: c.2277C>G (NM_005228.3); c.2142C>G, p.Ile714Met (NM_001346897.2, NM_001346899.2); c.2277C>G, p.Ile759Met (NM_001346898.2); c.2118C>G, p.Ile706Met (NM_001346900.2); c.1476C>G, p.Ile492Met (NM_001346941.2); short protein forms I492M, I706M, I714M, I759M.
Identifiers: ClinVar variation 1379449 (VCV001379449.9), dbSNP rs1786527291, ClinGen allele CA367584232.
Genomic context (GRCh38, chr7:55,174,814, plus strand): 5'-AATTCCCGTCGCTATCAAGGAATTAAGAGAAGCAACATCTCCGAAAGCCAACAAGGAAAT[C>G]CTCGATGTGAGTTTCTGCTTTGCTGTGTGGGGGTCCATGGCTCTGAACCTCAGGCCCACC-3'
Protein context (NP_005219.2, residues 749-769): EATSPKANKE[Ile759Met]LDEAYVMASV